The following is an entry in ClinVar:

NM_001148.6(ANK2):c.803C>T (p.Thr268Ile)

Gene: ANK2 (ankyrin 2; plus strand). Cytogenetic location: 4q26.
Variant type: single nucleotide variant.
Coding change: c.803C>T on transcript NM_001148.6 (MANE Select); coding-DNA position 803, C replaced by T.
Protein change: p.Thr268Ile; replaces threonine 268 with isoleucine.
Molecular consequence: missense variant.
Genome position (GRCh38, 1-based): chr4:113,242,121, C>T. VCF-style: chr4-113242121-C-T. GRCh37 (hg19) VCF-style: chr4-114163277-C-T.
Other names: c.740C>T, p.Thr247Ile (NM_001127493.3, NM_001386143.1, NM_001354270.2 and 14 more transcripts); c.803C>T, p.Thr268Ile (NM_001354225.2, NM_001354228.2, NM_020977.5 and 9 more transcripts); c.848C>T, p.Thr283Ile (NM_001354230.2, NM_001386144.1, NM_001386152.1 and 5 more transcripts); c.716C>T, p.Thr239Ile (NM_001386142.1, NM_001386146.1, NM_001386149.1 and 16 more transcripts); c.761C>T, p.Thr254Ile (NM_001386147.1, NM_001386160.1, NM_001354261.2); c.791C>T, p.Thr264Ile (NM_001386148.2, NM_001386186.2, NM_001354269.3); c.830C>T, p.Thr277Ile (NM_001386175.1); c.767C>T, p.Thr256Ile (NM_001386187.2); and 1 more; short protein forms T256I, T264I, T277I, T268I, T239I, T247I, T283I, T254I.
Identifiers: ClinVar variation 5022017 (VCV005022017.1).

ClinVar aggregate classification (germline): Uncertain significance (1 of 4 stars; one submission).

Conditions:
Cardiovascular phenotype. Identifiers: MedGen CN230736.

Submission:

Ambry Genetics
Classification: Uncertain significance for Cardiovascular phenotype. Last evaluated: 2026-07-26. Review status: criteria provided, single submitter. Criteria: Ambry Variant Classification Scheme 2023. Collection method: clinical testing. Allele origin: germline.
Comment: The p.T268I variant (also known as c.803C>T), located in coding exon 9 of the ANK2 gene, results from a C to T substitution at nucleotide position 803. The threonine at codon 268 is replaced by isoleucine, an amino acid with similar properties. This amino acid position is conserved. In addition, this alteration is predicted to be deleterious by in silico analysis. Based on the available evidence, the clinical significance of this variant remains unclear.